The following is an entry in ClinVar:

NM_001378778.1(MPDZ):c.4660A>G (p.Met1554Val)

Gene: MPDZ (multiple PDZ domain crumbs cell polarity complex component; minus strand). Cytogenetic location: 9p23.
Variant type: single nucleotide variant.
Coding change: c.4660A>G on transcript NM_001378778.1 (MANE Select); coding-DNA position 4660, A replaced by G.
Protein change: p.Met1554Val; replaces methionine 1554 with valine.
Molecular consequence: missense variant.
Genome position (GRCh38, 1-based): chr9:13,125,363, T>C on the plus strand (A>G on the coding strand, the complement: MPDZ is on the minus strand). VCF-style: chr9-13125363-T-C. GRCh37 (hg19) VCF-style: chr9-13125362-T-C.
Other names: c.4561A>G, p.Met1521Val (NM_001261406.2, NM_001261407.2, NM_001375416.1 and 3 more transcripts); c.4660A>G, p.Met1554Val (NM_001330637.2, NM_003829.5); c.4759A>G, p.Met1587Val (NM_001375413.1); c.4450A>G, p.Met1484Val (NM_001375420.1, NM_001375421.1, NM_001375422.1 and 4 more transcripts); c.4252A>G, p.Met1418Val (NM_001375427.1); short protein forms M1484V, M1587V, M1418V, M1521V, M1554V.
Identifiers: ClinVar variation 1350819 (VCV001350819.8), dbSNP rs770797038, ClinGen allele CA4986605.
Genomic context (GRCh38, chr9:13,125,363, plus strand): 5'-CTGCTGAAGGAACAGCCTGGGAATCTGGATTCTCAGCATGGATGGTAAGTTTTACTGTCA[T>C]CTTTGCTGTCTTCAGAAGGCTAATAAACTGGCAGGGTGTATGTGTGGAAGAGAAACAAAA-3'
Protein context (NP_001365707.1, residues 1544-1564): KFISLLKTAK[Met1554Val]TVKLTIHAEN

ClinVar aggregate classification (germline): Uncertain significance (1 of 4 stars; one submission).

Allele frequency attached by ClinVar (database versions not stated): gnomAD exomes below 0.00001; ExAC 0.00001.

Submission:

Labcorp Genetics (formerly Invitae), Labcorp
Classification: Uncertain significance. Last evaluated: 2022-02-10. Review status: criteria provided, single submitter. Criteria: Invitae Variant Classification Sherloc (09022015). Collection method: clinical testing. Allele origin: germline.
Comment: Algorithms developed to predict the effect of sequence changes on RNA splicing suggest that this variant may create or strengthen a splice site. This sequence change replaces methionine, which is neutral and non-polar, with valine, which is neutral and non-polar, at codon 1554 of the MPDZ protein (p.Met1554Val). This variant is present in population databases (rs770797038, gnomAD 0.003%). This variant has not been reported in the literature in individuals affected with MPDZ-related conditions. Algorithms developed to predict the effect of missense changes on protein structure and function (SIFT, PolyPhen-2, Align-GVGD) all suggest that this variant is likely to be tolerated. In summary, the available evidence is currently insufficient to determine the role of this variant in disease. Therefore, it has been classified as a Variant of Uncertain Significance.